The following is an entry in ClinVar:

NM_152490.5(B3GALNT2):c.1463A>G (p.Lys488Arg)

Genes: B3GALNT2 (beta-1,3-N-acetylgalactosaminyltransferase 2; minus strand), TBCE (tubulin folding cofactor E; plus strand). Cytogenetic location: 1q42.3.
Variant type: single nucleotide variant.
Coding change: c.1463A>G on transcript NM_152490.5 (MANE Select); coding-DNA position 1463, A replaced by G.
Protein change: p.Lys488Arg; replaces lysine 488 with arginine.
Molecular consequence: missense variant. On other transcripts: 3 prime UTR variant (4).
Genome position (GRCh38, 1-based): chr1:235,450,246, T>C on the plus strand (A>G on the coding strand, the complement: B3GALNT2 is on the minus strand). VCF-style: chr1-235450246-T-C. GRCh37 (hg19) VCF-style: chr1-235613561-T-C.
Other names: c.*1484T>C (NM_001079515.3, NM_001287801.2, NM_001287802.2 and 1 more transcripts); short protein forms K488R.
Identifiers: ClinVar variation 1378338 (VCV001378338.6), dbSNP rs201145660, ClinGen allele CA344954091.

ClinVar aggregate classification (germline): Uncertain significance (1 of 4 stars; one submission).

Conditions:
Muscular dystrophy-dystroglycanopathy (congenital with brain and eye anomalies), type a, 11 (MDDGA11). Also called: Muscular dystrophy-dystroglycanopathy (congenital with brain and eye anomalies, type A, 11; Congenital muscular dystrophy-dystroglycanopathy with brain and eye anomalies, type A11; WALKER-WARBURG SYNDROME OR MUSCLE-EYE-BRAIN DISEASE, B3GALNT2-RELATED. Identifiers: Orphanet 588, Orphanet 899, MedGen C3554638, MONDO:0014071, OMIM 615181.

Submission:

Labcorp Genetics (formerly Invitae), Labcorp
Classification: Uncertain significance for Muscular dystrophy-dystroglycanopathy (congenital with brain and eye anomalies), type a, 11. Last evaluated: 2024-05-22. Review status: criteria provided, single submitter. Criteria: Invitae Variant Classification Sherloc (09022015). Collection method: clinical testing. Allele origin: germline.
Comment: This sequence change replaces lysine, which is basic and polar, with arginine, which is basic and polar, at codon 488 of the B3GALNT2 protein (p.Lys488Arg). This variant is not present in population databases (gnomAD no frequency). This variant has not been reported in the literature in individuals affected with B3GALNT2-related conditions. ClinVar contains an entry for this variant (Variation ID: 1378338). Advanced modeling of protein sequence and biophysical properties (such as structural, functional, and spatial information, amino acid conservation, physicochemical variation, residue mobility, and thermodynamic stability) performed at Invitae indicates that this missense variant is not expected to disrupt B3GALNT2 protein function with a negative predictive value of 80%. In summary, the available evidence is currently insufficient to determine the role of this variant in disease. Therefore, it has been classified as a Variant of Uncertain Significance.